The following is an entry in ClinVar:

NM_152383.5(DIS3L2):c.933C>G (p.Asp311Glu)

Gene: DIS3L2 (DIS3 like 3'-5' exoribonuclease 2; plus strand). Cytogenetic location: 2q37.1.
Variant type: single nucleotide variant.
Coding change: c.933C>G on transcript NM_152383.5 (MANE Select); coding-DNA position 933, C replaced by G.
Protein change: p.Asp311Glu; replaces aspartic acid 311 with glutamic acid.
Molecular consequence: missense variant. On other transcripts: non-coding transcript variant (1).
Genome position (GRCh38, 1-based): chr2:232,136,702, C>G. VCF-style: chr2-232136702-C-G. GRCh37 (hg19) VCF-style: chr2-233001412-C-G.
Other names: c.933C>G, p.Asp311Glu (NM_001257281.2); short protein forms D311E.
Identifiers: ClinVar variation 664515 (VCV000664515.6), dbSNP rs1359411191, ClinGen allele CA351153914.

ClinVar aggregate classification (germline): Uncertain significance (1 of 4 stars; one submission).

Conditions:
Perlman syndrome (PRLMNS). Identifiers: Orphanet 2849, MedGen C0796113, MONDO:0009965, OMIM 267000.

Allele frequency attached by ClinVar (database versions not stated): gnomAD exomes below 0.00001; TOPMed 0.00001.
gnomAD v4.1: 4 of 1,613,716 alleles (0.00025%); highest among the groups gnomAD compares: Non-Finnish European, 0.00034%; no homozygotes.

Submission:

Labcorp Genetics (formerly Invitae), Labcorp
Classification: Uncertain significance for Perlman syndrome. Last evaluated: 2025-03-15. Review status: criteria provided, single submitter. Criteria: Invitae Variant Classification Sherloc (09022015). Collection method: clinical testing. Allele origin: germline.
Comment: This sequence change replaces aspartic acid, which is acidic and polar, with glutamic acid, which is acidic and polar, at codon 311 of the DIS3L2 protein (p.Asp311Glu). This variant is present in population databases (no rsID available, gnomAD 0.0009%). This variant has not been reported in the literature in individuals affected with DIS3L2-related conditions. ClinVar contains an entry for this variant (Variation ID: 664515). Invitae Evidence Modeling of protein sequence and biophysical properties (such as structural, functional, and spatial information, amino acid conservation, physicochemical variation, residue mobility, and thermodynamic stability) indicates that this missense variant is not expected to disrupt DIS3L2 protein function with a negative predictive value of 80%. In summary, the available evidence is currently insufficient to determine the role of this variant in disease. Therefore, it has been classified as a Variant of Uncertain Significance.